The following is an entry in ClinVar:

NM_001429.4(EP300):c.6388A>G (p.Met2130Val)

Gene: EP300 (EP300 lysine acetyltransferase; plus strand). Cytogenetic location: 22q13.2.
Variant type: single nucleotide variant.
Coding change: c.6388A>G on transcript NM_001429.4 (MANE Select); coding-DNA position 6388, A replaced by G.
Protein change: p.Met2130Val; replaces methionine 2130 with valine.
Molecular consequence: missense variant.
Genome position (GRCh38, 1-based): chr22:41,178,099, A>G. VCF-style: chr22-41178099-A-G. GRCh37 (hg19) VCF-style: chr22-41574103-A-G.
Other names: c.6310A>G, p.Met2104Val (NM_001362843.2); short protein forms M2104V, M2130V.
Identifiers: ClinVar variation 4887806 (VCV004887806.1).

ClinVar aggregate classification (germline): Uncertain significance (1 of 4 stars; one submission).

Submission:

Women's Health and Genetics/Laboratory Corporation of America, LabCorp
Classification: Uncertain significance. Last evaluated: 2026-06-19. Review status: criteria provided, single submitter. Criteria: LabCorp Variant Classification Summary - May 2015. Collection method: clinical testing. Allele origin: germline.
Comment: Variant summary: EP300 c.6388A>G (p.Met2130Val) results in a conservative amino acid change in the encoded protein sequence. Algorithms developed to predict the effect of missense changes on protein structure and function all suggest that this variant is likely to be tolerated. The variant allele was found at a frequency of 4e-06 in 251296 control chromosomes. The available data on variant occurrences in the general population are insufficient to allow any conclusion about variant significance. To our knowledge, no occurrence of c.6388A>G in individuals affected with EP300-related conditions and no experimental evidence demonstrating its impact on protein function have been reported. No submitters have cited clinical-significance assessments for this variant to ClinVar. Based on the evidence outlined above, the variant was classified as uncertain significance.